The following is an entry in ClinVar:

NM_001111067.4(ACVR1):c.1089G>C (p.Gln363His)

Gene: ACVR1 (activin A receptor type 1; minus strand). Cytogenetic location: 2q24.1.
Variant type: single nucleotide variant.
Coding change: c.1089G>C on transcript NM_001111067.4 (MANE Select); coding-DNA position 1089, G replaced by C.
Protein change: p.Gln363His; replaces glutamine 363 with histidine.
Molecular consequence: missense variant.
Genome position (GRCh38, 1-based): chr2:157,761,055, C>G on the plus strand (G>C on the coding strand, the complement: ACVR1 is on the minus strand). VCF-style: chr2-157761055-C-G. GRCh37 (hg19) VCF-style: chr2-158617567-C-G.
Other names: c.1089G>C, p.Gln363His (NM_001105.5, NM_001347663.1, NM_001347664.1 and 3 more transcripts); short protein forms Q363H.
Identifiers: ClinVar variation 3728311 (VCV003728311.2).

ClinVar aggregate classification (germline): Uncertain significance (1 of 4 stars; one submission).

Submission:

Labcorp Genetics (formerly Invitae), Labcorp
Classification: Uncertain significance. Last evaluated: 2024-12-30. Review status: criteria provided, single submitter. Criteria: Invitae Variant Classification Sherloc (09022015). Collection method: clinical testing. Allele origin: germline.
Comment: This sequence change replaces glutamine, which is neutral and polar, with histidine, which is basic and polar, at codon 363 of the ACVR1 protein (p.Gln363His). This variant is not present in population databases (gnomAD no frequency). This variant has not been reported in the literature in individuals affected with ACVR1-related conditions. An algorithm developed to predict the effect of missense changes on protein structure and function (PolyPhen-2) suggests that this variant is likely to be disruptive. In summary, the available evidence is currently insufficient to determine the role of this variant in disease. Therefore, it has been classified as a Variant of Uncertain Significance.